The following is an entry in ClinVar:

NM_000238.4(KCNH2):c.778G>C (p.Ala260Pro)

Gene: KCNH2 (potassium voltage-gated channel subfamily H member 2; minus strand). Cytogenetic location: 7q36.1.
Variant type: single nucleotide variant.
Coding change: c.778G>C on transcript NM_000238.4 (MANE Select); coding-DNA position 778, G replaced by C.
Protein change: p.Ala260Pro; replaces alanine 260 with proline.
Molecular consequence: missense variant.
Genome position (GRCh38, 1-based): chr7:150,958,197, C>G on the plus strand (G>C on the coding strand, the complement: KCNH2 is on the minus strand). VCF-style: chr7-150958197-C-G. GRCh37 (hg19) VCF-style: chr7-150655285-C-G.
Other names: c.490G>C, p.Ala164Pro (NM_001406753.1, NM_001406756.1); c.601G>C, p.Ala201Pro (NM_001406755.1); c.478G>C, p.Ala160Pro (NM_001406757.1); c.778G>C, p.Ala260Pro (NM_172056.3); short protein forms A260P, A164P, A160P, A201P.
Identifiers: ClinVar variation 427970 (VCV000427970.8), dbSNP rs1220897906, ClinGen allele CA369862526.
Genomic context (GRCh38, chr7:150,958,197, plus strand): 5'-GCACGCTGGCGCAGCTTTCTCGGGAGCGCGTCCGGGCCAGGCTGCAGCTGGAGCCCGAGG[C>G]GTCGGGGTTGAGGCTGTGCGCCCGGGGCGATGGGAGCTGGCCGGGCGCGCTGCGGGGCGG-3'
Protein context (NP_000229.1, residues 250-270): SPRAHSLNPD[Ala260Pro]SGSSCSLART

ClinVar aggregate classification (germline): Uncertain significance. Review status: criteria provided, multiple submitters, no conflicts (2 of 4 stars). 2 submissions from 2 submitters: Uncertain significance (2). Last evaluated 2025-10-23.

Conditions:
Long QT syndrome (LQTS). Identifiers: MedGen C0023976, MeSH D008133, MONDO:0002442. Disease mechanism: loss of function. Inheritance: Various modes of inheritance.
Hypertrophic cardiomyopathy. Also called: HYPERTROPHIC MYOCARDIOPATHY. Identifiers: Orphanet 217569, MedGen C0007194, MeSH D002312, MONDO:0005045, HP:0001639.

Allele frequency attached by ClinVar (database versions not stated): gnomAD exomes below 0.00001; gnomAD 0.00001; TOPMed 0.00001.
gnomAD v4.1: 5 of 1,363,138 alleles (0.00037%); highest among the groups gnomAD compares: Non-Finnish European, 0.00028%; no homozygotes.

Submissions (2):

Labcorp Genetics (formerly Invitae), Labcorp
Classification: Uncertain significance for Long QT syndrome. Last evaluated: 2025-10-23. Review status: criteria provided, single submitter. Criteria: Invitae Variant Classification Sherloc (09022015). Collection method: clinical testing. Allele origin: germline.
Comment: This sequence change replaces alanine, which is neutral and non-polar, with proline, which is neutral and non-polar, at codon 260 of the KCNH2 protein (p.Ala260Pro). This variant is not present in population databases (gnomAD no frequency). This variant has not been reported in the literature in individuals affected with KCNH2-related conditions. ClinVar contains an entry for this variant (Variation ID: 427970). An algorithm developed to predict the effect of missense changes on protein structure and function (PolyPhen-2) suggests that this variant is likely to be tolerated. In summary, the available evidence is currently insufficient to determine the role of this variant in disease. Therefore, it has been classified as a Variant of Uncertain Significance.

Center for Human Genetics, University of Leuven
Classification: Uncertain significance for Hypertrophic cardiomyopathy. Last evaluated: 2017-04-30. Review status: criteria provided, single submitter. Criteria: ACMG Guidelines, 2015. Collection method: clinical testing. Allele origin: germline. Inheritance: Autosomal dominant inheritance. Affected: yes.